The following is an entry in ClinVar:

ClinVar aggregate classification (germline): Uncertain significance (1 of 4 stars; one submission).

Submission:

GeneDx
Classification: Uncertain significance. Last evaluated: 2024-05-06. Review status: criteria provided, single submitter. Criteria: GeneDx Variant Classification Process June 2021. Collection method: clinical testing. Allele origin: germline. Affected: yes.
Comment: Not observed at significant frequency in large population cohorts (gnomAD); In silico analysis supports that this missense variant has a deleterious effect on protein structure/function; Has not been previously published as pathogenic or benign to our knowledge

NM_003128.3(SPTBN1):c.1258C>G (p.Leu420Val)

Gene: SPTBN1 (spectrin beta, non-erythrocytic 1; plus strand). Cytogenetic location: 2p16.2.
Variant type: single nucleotide variant.
Coding change: c.1258C>G on transcript NM_003128.3 (MANE Select); coding-DNA position 1258, C replaced by G.
Protein change: p.Leu420Val; replaces leucine 420 with valine.
Molecular consequence: missense variant.
Genome position (GRCh38, 1-based): chr2:54,624,879, C>G. VCF-style: chr2-54624879-C-G. GRCh37 (hg19) VCF-style: chr2-54852016-C-G.
Other names: c.1219C>G, p.Leu407Val (NM_178313.3); short protein forms L407V, L420V.
Identifiers: ClinVar variation 3375956 (VCV003375956.1).